The following is an entry in ClinVar:

NM_000235.4(LIPA):c.65C>T (p.Ser22Phe)

Gene: LIPA (lipase A, lysosomal acid type; minus strand). Cytogenetic location: 10q23.31.
Variant type: single nucleotide variant.
Coding change: c.65C>T on transcript NM_000235.4 (MANE Select); coding-DNA position 65, C replaced by T.
Protein change: p.Ser22Phe; replaces serine 22 with phenylalanine.
Molecular consequence: missense variant. On other transcripts: intron variant (1).
Genome position (GRCh38, 1-based): chr10:89,247,584, G>A on the plus strand (C>T on the coding strand, the complement: LIPA is on the minus strand). VCF-style: chr10-89247584-G-A. GRCh37 (hg19) VCF-style: chr10-91007341-G-A.
Other names: c.65C>T, p.Ser22Phe (NM_001127605.3); c.-120+4153C>T (NM_001288979.2); short protein forms S22F.
Identifiers: ClinVar variation 4047474 (VCV004047474.1).
Genomic context (GRCh38, chr10:89,247,584, plus strand): 5'-TTTGAGAAACTTACCACATTCATGTTTGTTTCAGGATCCACAGCTGTCAGTTTCCCTCCA[G>A]ACCCCTCAGAATGCAGGGTCCAGAGAACCAAACAGACCACCAACCCCAAGAACCGCATTT-3'
Protein context (NP_000226.2, residues 12-32): LVLWTLHSEG[Ser22Phe]GGKLTAVDPE

ClinVar aggregate classification (germline): Uncertain significance (1 of 4 stars; one submission).

Conditions:
Cardiovascular phenotype. Identifiers: MedGen CN230736.

gnomAD v4.1: 1 of 1,613,118 alleles (0.000062%); highest among the groups gnomAD compares: Non-Finnish European, 0.000085%; no homozygotes.

Submission:

Ambry Genetics
Classification: Uncertain significance for Cardiovascular phenotype. Last evaluated: 2025-04-12. Review status: criteria provided, single submitter. Criteria: Ambry Variant Classification Scheme 2023. Collection method: clinical testing. Allele origin: germline.
Comment: The p.S22F variant (also known as c.65C>T), located in coding exon 1 of the LIPA gene, results from a C to T substitution at nucleotide position 65. The serine at codon 22 is replaced by phenylalanine, an amino acid with highly dissimilar properties. This amino acid position is conserved. In addition, this alteration is predicted to be tolerated by in silico analysis. Based on the available evidence, the clinical significance of this variant remains unclear.